The following is an entry in ClinVar:

ClinVar aggregate classification (germline): Benign. Review status: criteria provided, single submitter (1 of 4 stars). 3 submissions from 1 submitter: Benign (3). Last evaluated 2018-01-12.

Conditions:
Rabson-Mendenhall syndrome. Also called: MENDENHALL SYNDROME; Pineal Hyperplasia, Insulin-Resistant Diabetes Mellitus, and Somatic Abnormalities; Pineal hyperplasia AND diabetes mellitus syndrome. Identifiers: Orphanet 769, MedGen C0271695, MONDO:0009874, OMIM 262190.
Leprechaunism syndrome. Also called: Donohue syndrome; LEPRECHAUNISM. Identifiers: Orphanet 508, MedGen C0265344, MONDO:0009517, OMIM 246200.
Insulin-resistant diabetes mellitus AND acanthosis nigricans. Also called: Insulin-resistance syndrome type A; INSULIN RECEPTOR, DEFECT IN, WITH INSULIN-RESISTANT DIABETES MELLITUS AND ACANTHOSIS NIGRICANS; IRAN, TYPE A; type A insulin resistance; DIABETES MELLITUS, INSULIN-RESISTANT, WITH ACANTHOSIS NIGRICANS, TYPE A. Identifiers: Orphanet 2297, MedGen C0342278, MONDO:0012520, OMIM 610549.

Allele frequency attached by ClinVar (database versions not stated): gnomAD 0.01248 and 0.01332; TOPMed 0.01368; 1000 Genomes Project 0.01797.

Submissions (3):

Illumina Laboratory Services, Illumina
Classification: Benign for Rabson-Mendenhall syndrome. Last evaluated: 2018-01-12. Review status: criteria provided, single submitter. Criteria: ICSL Variant Classification Criteria 13 December 2019. Collection method: clinical testing. Allele origin: germline.
Comment: This variant was observed in the ICSL laboratory as part of a predisposition screen in an ostensibly healthy population. It had not been previously curated by ICSL or reported in the Human Gene Mutation Database (HGMD: prior to June 1st, 2018), and was therefore a candidate for classification through an automated scoring system. Utilizing variant allele frequency, disease prevalence and penetrance estimates, and inheritance mode, an automated score was calculated to assess if this variant is too frequent to cause the disease. Based on the score and internal cut-off values, a variant classified as benign is not then subjected to further curation. The score for this variant resulted in a classification of benign for this disease.

Illumina Laboratory Services, Illumina
Classification: Benign for Leprechaunism syndrome. Last evaluated: 2018-01-12. Review status: criteria provided, single submitter. Criteria: ICSL Variant Classification Criteria 13 December 2019. Collection method: clinical testing. Allele origin: germline.
Comment: the same text as in the submission from Illumina Laboratory Services, Illumina above.

Illumina Laboratory Services, Illumina
Classification: Benign for Insulin-resistant diabetes mellitus AND acanthosis nigricans. Last evaluated: 2018-01-12. Review status: criteria provided, single submitter. Criteria: ICSL Variant Classification Criteria 13 December 2019. Collection method: clinical testing. Allele origin: germline.
Comment: the same text as in the submission from Illumina Laboratory Services, Illumina above.

NM_000208.4(INSR):c.*3857C>T

Gene: INSR (insulin receptor; minus strand). Cytogenetic location: 19p13.2.
Variant type: single nucleotide variant.
Coding change: c.*3857C>T on transcript NM_000208.4 (MANE Select); 3857 bases downstream of the stop codon, C replaced by T.
Molecular consequence: 3 prime UTR variant.
Genome position (GRCh38, 1-based): chr19:7,113,199, G>A on the plus strand (C>T on the coding strand, the complement: INSR is on the minus strand). VCF-style: chr19-7113199-G-A. GRCh37 (hg19) VCF-style: chr19-7113210-G-A.
Other names: c.*3857C>T (NM_001079817.3).
Identifiers: ClinVar variation 330359 (VCV000330359.5), dbSNP rs114405975, ClinGen allele CA10652289.